The following is an entry in ClinVar:

ClinVar aggregate classification (germline): Likely pathogenic (1 of 4 stars; one submission).

Conditions:
Leukocyte adhesion deficiency 1 (LAD1). Also called: LEUKOCYTE ADHESION DEFICIENCY, TYPE I; LAD 1; Lymphocyte function-associated antigen 1 immunodeficiency; LFA 1 immunodeficiency. Identifiers: Orphanet 2968, Orphanet 99842, MedGen C0398738, MONDO:0007293, OMIM 116920.

Submission:

Labcorp Genetics (formerly Invitae), Labcorp
Classification: Likely pathogenic for Leukocyte adhesion deficiency 1. Last evaluated: 2023-04-03. Review status: criteria provided, single submitter. Criteria: Invitae Variant Classification Sherloc (09022015). Collection method: clinical testing. Allele origin: germline.
Comment: In summary, the currently available evidence indicates that the variant is pathogenic, but additional data are needed to prove that conclusively. Therefore, this variant has been classified as Likely Pathogenic. Algorithms developed to predict the effect of sequence changes on RNA splicing suggest that this variant may disrupt the consensus splice site. This variant has not been reported in the literature in individuals affected with ITGB2-related conditions. This variant is not present in population databases (gnomAD no frequency). This sequence change affects a donor splice site in intron 8 of the ITGB2 gene. It is expected to disrupt RNA splicing. Variants that disrupt the donor or acceptor splice site typically lead to a loss of protein function (PMID: 16199547), and loss-of-function variants in ITGB2 are known to be pathogenic (PMID: 22134107, 25703682).

Literature cited by the submitters: PubMed 16199547; PubMed 22134107; PubMed 25703682.

NM_000211.5(ITGB2):c.993+1G>T

Gene: ITGB2 (integrin subunit beta 2; minus strand). Cytogenetic location: 21q22.3.
Variant type: single nucleotide variant.
Coding change: c.993+1G>T on transcript NM_000211.5 (MANE Select); the canonical splice donor site of the intron after coding-DNA position 993, G replaced by T.
Molecular consequence: splice donor variant.
Genome position (GRCh38, 1-based): chr21:44,899,066, C>A on the plus strand (G>T on the coding strand, the complement: ITGB2 is on the minus strand). VCF-style: chr21-44899066-C-A. GRCh37 (hg19) VCF-style: chr21-46318981-C-A.
Other names: c.993+1G>T (NM_001127491.3); c.786+1G>T (NM_001303238.2).
Identifiers: ClinVar variation 2803347 (VCV002803347.3), dbSNP rs200159456, ClinGen allele CA410473252.